The following is an entry in ClinVar:

NM_001142800.2(EYS):c.6729C>G (p.Tyr2243Ter)

Gene: EYS (EGF-like photoreceptor maintenance factor; minus strand). Cytogenetic location: 6q12.
Variant type: single nucleotide variant.
Coding change: c.6729C>G on transcript NM_001142800.2 (MANE Select); coding-DNA position 6729, C replaced by G.
Protein change: p.Tyr2243Ter; replaces tyrosine 2243 with a stop codon.
Molecular consequence: nonsense.
Genome position (GRCh38, 1-based): chr6:63,999,180, G>C on the plus strand (C>G on the coding strand, the complement: EYS is on the minus strand). VCF-style: chr6-63999180-G-C. GRCh37 (hg19) VCF-style: chr6-64709073-G-C.
Other names: c.6729C>G, p.Tyr2243Ter (NM_001292009.2); short protein forms Y2243*.
Identifiers: ClinVar variation 2745394 (VCV002745394.3), dbSNP rs1357542778, ClinGen allele CA364389882.

ClinVar aggregate classification (germline): Pathogenic (1 of 4 stars; one submission).

Submission:

Labcorp Genetics (formerly Invitae), Labcorp
Classification: Pathogenic. Last evaluated: 2023-07-19. Review status: criteria provided, single submitter. Criteria: Invitae Variant Classification Sherloc (09022015). Collection method: clinical testing. Allele origin: germline.
Comment: For these reasons, this variant has been classified as Pathogenic. Algorithms developed to predict the effect of sequence changes on RNA splicing suggest that this variant may create or strengthen a splice site. This variant has not been reported in the literature in individuals affected with EYS-related conditions. This variant is not present in population databases (gnomAD no frequency). This sequence change creates a premature translational stop signal (p.Tyr2243*) in the EYS gene. It is expected to result in an absent or disrupted protein product. Loss-of-function variants in EYS are known to be pathogenic (PMID: 18836446, 20333770).

Literature cited by the submitters: PubMed 18836446; PubMed 20333770.